The following is an entry in ClinVar:

ClinVar aggregate classification (germline): Benign. Review status: criteria provided, multiple submitters, no conflicts (2 of 4 stars). 3 submissions from 3 submitters: Benign (2). 1 of the submissions does not count toward it. Last evaluated 2025-01-01.

Conditions:
PAK1-related disorder. Also called: PAK1-related condition.

Allele frequency attached by ClinVar (database versions not stated): 1000 Genomes Project 0.00120; TOPMed 0.00138; 1000 Genomes Project 30x 0.00141; ESP Exome Variant Server 0.00146; gnomAD 0.00198 and 0.00200; ExAC 0.00229; gnomAD exomes 0.00236 and 0.00241.
gnomAD v4.1: 3,782 of 1,613,990 alleles (0.23%); highest among the groups gnomAD compares: South Asian, 0.36%; 11 homozygotes.

Submissions (3):

CeGaT Center for Human Genetics Tuebingen
Classification: Benign. Last evaluated: 2025-01-01. Review status: criteria provided, single submitter. Criteria: CeGaT Center For Human Genetics Tuebingen Variant Classification Criteria Version 2. Collection method: clinical testing. Allele origin: germline. Affected: yes. Observed: 5 variant alleles.
Comment: PAK1: BP4, BS1, BS2

Labcorp Genetics (formerly Invitae), Labcorp
Classification: Benign. Last evaluated: 2018-08-07. Review status: criteria provided, single submitter. Criteria: Invitae Variant Classification Sherloc (09022015). Collection method: clinical testing. Allele origin: germline.

PreventionGenetics, part of Exact Sciences
Classification: Benign for PAK1-related condition. Last evaluated: 2019-02-18. Review status: no assertion criteria provided. Collection method: clinical testing. Allele origin: germline. Not counted in ClinVar's aggregate classification.
Comment: This variant is classified as benign based on ACMG/AMP sequence variant interpretation guidelines (Richards et al. 2015 PMID: 25741868, with internal and published modifications).

NM_002576.5(PAK1):c.357A>G (p.Lys119=)

Gene: PAK1 (p21 (RAC1) activated kinase 1; minus strand). Cytogenetic location: 11q13.5.
Variant type: single nucleotide variant.
Coding change: c.357A>G on transcript NM_002576.5 (MANE Select); coding-DNA position 357, A replaced by G.
Protein change: p.Lys119=; no amino-acid change (lysine 119 retained).
Molecular consequence: synonymous variant. On other transcripts: non-coding transcript variant (2), intron variant (1).
Genome position (GRCh38, 1-based): chr11:77,379,323, T>C on the plus strand (A>G on the coding strand, the complement: PAK1 is on the minus strand). VCF-style: chr11-77379323-T-C. GRCh37 (hg19) VCF-style: chr11-77090368-T-C.
Other names: c.357A>G, p.Lys119= (NM_001128620.2, NM_001376268.1, NM_001376269.1 and 26 more transcripts); c.378A>G, p.Lys126= (NM_001376272.1); c.63A>G, p.Lys21= (NM_001376302.1, NM_001376304.1, NM_001376305.1); c.191-4958A>G (NM_001376301.1).
Identifiers: ClinVar variation 713352 (VCV000713352.28), dbSNP rs115947709, ClinGen allele CA6200146.